The following is an entry in ClinVar:

ClinVar aggregate classification (germline): Uncertain significance (1 of 4 stars; one submission).

Conditions:
CDH23-related disorder. Also called: CDH23-related condition; CDH23-related disorders.

Submission:

3billion
Classification: Uncertain significance for CDH23-related disorder. Last evaluated: 2024-06-12. Review status: criteria provided, single submitter. Criteria: ACMG Guidelines, 2015. Collection method: clinical testing. Allele origin: germline. Affected: yes.
Comment: The variant is not observed in the gnomAD v4.0.0 dataset. Predicted Consequence/Location: The majority of the known disease-causing variants of this gene are variants expected to result in premature termination of the protein. In silico tool predictions suggest damaging effect of the variant on gene or gene product [REVEL: 0.71 (>=0.6, sensitivity 0.68 and specificity 0.92)]. Therefore, this variant is classified as VUS according to the recommendation of ACMG/AMP guideline.

NM_022124.6(CDH23):c.1372C>T (p.Pro458Ser)

Gene: CDH23 (cadherin related 23; plus strand). Cytogenetic location: 10q22.1.
Variant type: single nucleotide variant.
Coding change: c.1372C>T on transcript NM_022124.6 (MANE Select); coding-DNA position 1372, C replaced by T.
Protein change: p.Pro458Ser; replaces proline 458 with serine.
Molecular consequence: missense variant.
Genome position (GRCh38, 1-based): chr10:71,646,540, C>T. VCF-style: chr10-71646540-C-T. GRCh37 (hg19) VCF-style: chr10-73406297-C-T.
Other names: c.1372C>T, p.Pro458Ser (NM_001171930.2, NM_001171931.2, NM_052836.4); short protein forms P458S.
Identifiers: ClinVar variation 4292962 (VCV004292962.1).
Genomic context (GRCh38, chr10:71,646,540, plus strand): 5'-CCTGACCATGTGGGCTATGCCAAGGTGAAGATCACTCTCATCAATGAAAATGACAACCGG[C>T]CCATCTTCAGCCAGCCACTGTACAACATCAGCCTGTACGAGAACGTCACCGTGGGGACCT-3'
Protein context (NP_071407.4, residues 448-468): ITLINENDNR[Pro458Ser]IFSQPLYNIS